The following is an entry in ClinVar:

NM_030653.4(DDX11):c.2474A>G (p.Gln825Arg)

Gene: DDX11 (DEAD/H-box helicase 11; plus strand). Cytogenetic location: 12p11.21.
Variant type: single nucleotide variant.
Coding change: c.2474A>G on transcript NM_030653.4 (MANE Select); coding-DNA position 2474, A replaced by G.
Protein change: p.Gln825Arg; replaces glutamine 825 with arginine.
Molecular consequence: missense variant. On other transcripts: synonymous variant (6), non-coding transcript variant (3).
Genome position (GRCh38, 1-based): chr12:31,103,333, A>G. VCF-style: chr12-31103333-A-G. GRCh37 (hg19) VCF-style: chr12-31256267-A-G.
Other names: c.2469A>G, p.Pro823= (NM_001257144.2, NM_001413695.1, NM_001413696.1 and 1 more transcripts); c.2396A>G, p.Gln799Arg (NM_001257145.2, NM_001413697.1, NM_001413698.1); c.2474A>G, p.Gln825Arg (NM_001413692.1, NM_001413693.1, NM_001413694.1); c.2391A>G, p.Pro797= (NM_001413699.1); c.2387A>G, p.Gln796Arg (NM_001413700.1); c.1946A>G, p.Gln649Arg (NM_001413702.1, NM_001413703.1); c.1608A>G, p.Pro536= (NM_001413704.1); c.1613A>G, p.Gln538Arg (NM_001413705.1); and 2 more; short protein forms Q796R, Q503R, Q649R, Q799R, Q538R, Q775R, Q825R.
Identifiers: ClinVar variation 2216763 (VCV002216763.4), dbSNP rs747245619, ClinGen allele CA6501851.
Genomic context (GRCh38, chr12:31,103,333, plus strand): 5'-GCAGGCAGGGAACAGTCCTGATGGGTCTTCCCCTTCACTCCCAGCCCAGAGCCCCCGGCC[A>G]GGCACCCCCAGGGAAGGCTCTGGTGGAGAACCTGTGCATGAAGGCCGTCAACCAGTCCAT-3'
Protein context (NP_085911.2, residues 815-835): LDQTLPRAPG[Gln825Arg]APPGKALVEN

ClinVar aggregate classification (germline): Uncertain significance. Review status: criteria provided, multiple submitters, no conflicts (2 of 4 stars). 2 submissions from 2 submitters: Uncertain significance (2). Last evaluated 2025-04-25.

Conditions:
Inborn genetic diseases. Identifiers: MedGen C0950123, MeSH D030342.

Allele frequency attached by ClinVar (database versions not stated): gnomAD 0.00011; gnomAD exomes 0.00012; ExAC 0.00019; TOPMed 0.00011.
gnomAD v4.1: 186 of 1,611,034 alleles (0.012%); highest among the groups gnomAD compares: Non-Finnish European, 0.015%; no homozygotes.

Submissions (2):

Ambry Genetics
Classification: Uncertain significance for Inborn genetic diseases. Last evaluated: 2025-04-25. Review status: criteria provided, single submitter. Criteria: Ambry Variant Classification Scheme 2023. Collection method: clinical testing. Allele origin: germline.

Women's Health and Genetics/Laboratory Corporation of America, LabCorp
Classification: Uncertain significance. Last evaluated: 2024-04-12. Review status: criteria provided, single submitter. Criteria: LabCorp Variant Classification Summary - May 2015. Collection method: clinical testing. Allele origin: germline.
Comment: Variant summary: DDX11 c.2474A>G (p.Gln825Arg) results in a conservative amino acid change in the encoded protein sequence. Four of four in-silico tools predict a benign effect of the variant on protein function. The variant allele was found at a frequency of 0.00014 in 243108 control chromosomes. This frequency is not significantly higher than estimated for a pathogenic variant in DDX11 causing Warsaw Breakage Syndrome (0.00014 vs ND), allowing no conclusion about variant significance. To our knowledge, no occurrence of c.2474A>G in individuals affected with Warsaw Breakage Syndrome and no experimental evidence demonstrating its impact on protein function have been reported. ClinVar contains an entry for this variant (Variation ID: 2216763). Based on the evidence outlined above, the variant was classified as uncertain significance.